The following is an entry in ClinVar:

NM_001101362.3(KBTBD13):c.842C>T (p.Ala281Val)

Gene: KBTBD13 (kelch repeat and BTB domain containing 13; plus strand). Cytogenetic location: 15q22.31.
Variant type: single nucleotide variant.
Coding change: c.842C>T on transcript NM_001101362.3 (MANE Select); coding-DNA position 842, C replaced by T.
Protein change: p.Ala281Val; replaces alanine 281 with valine.
Molecular consequence: missense variant.
Genome position (GRCh38, 1-based): chr15:65,077,657, C>T. VCF-style: chr15-65077657-C-T. GRCh37 (hg19) VCF-style: chr15-65369995-C-T.
Other names: short protein forms A281V.
Identifiers: ClinVar variation 1387756 (VCV001387756.8), dbSNP rs1171797812, ClinGen allele CA392863914.

ClinVar aggregate classification (germline): Uncertain significance (1 of 4 stars; one submission).

Conditions:
Nemaline myopathy 6 (NEM6). Also called: Nemaline myopathy 6, autosomal dominant. Identifiers: Orphanet 171439, MedGen C1836472, MONDO:0012237, OMIM 609273.

Allele frequency attached by ClinVar (database versions not stated): gnomAD exomes below 0.00001.

Submission:

Labcorp Genetics (formerly Invitae), Labcorp
Classification: Uncertain significance for Nemaline myopathy 6. Last evaluated: 2021-04-20. Review status: criteria provided, single submitter. Criteria: Invitae Variant Classification Sherloc (09022015). Collection method: clinical testing. Allele origin: germline.
Comment: This sequence change replaces alanine with valine at codon 281 of the KBTBD13 protein (p.Ala281Val). The alanine residue is moderately conserved and there is a small physicochemical difference between alanine and valine. This variant is not present in population databases (ExAC no frequency). This variant has not been reported in the literature in individuals with KBTBD13-related conditions. Algorithms developed to predict the effect of missense changes on protein structure and function output the following: SIFT: "Deleterious"; PolyPhen-2: "Benign"; Align-GVGD: "Class C0". The valine amino acid residue is found in multiple mammalian species, suggesting that this missense change does not adversely affect protein function. These predictions have not been confirmed by published functional studies and their clinical significance is uncertain. In summary, the available evidence is currently insufficient to determine the role of this variant in disease. Therefore, it has been classified as a Variant of Uncertain Significance.